The following is an entry in ClinVar:

NM_001042492.3(NF1):c.1407A>G (p.Lys469=)

Gene: NF1 (neurofibromin 1; plus strand). Cytogenetic location: 17q11.2.
Variant type: single nucleotide variant.
Coding change: c.1407A>G on transcript NM_001042492.3 (MANE Select); coding-DNA position 1407, A replaced by G.
Protein change: p.Lys469=; no amino-acid change (lysine 469 retained).
Molecular consequence: synonymous variant.
Genome position (GRCh38, 1-based): chr17:31,214,465, A>G. VCF-style: chr17-31214465-A-G. GRCh37 (hg19) VCF-style: chr17-29541483-A-G.
Other names: c.1407A>G, p.Lys469= (NM_000267.4, NM_001128147.3).
Identifiers: ClinVar variation 1056403 (VCV001056403.9), dbSNP rs2143958833, ClinGen allele CA499224622.

ClinVar aggregate classification (germline): Conflicting classifications of pathogenicity. Review status: criteria provided, conflicting classifications (1 of 4 stars). 4 submissions from 4 submitters: Uncertain significance (1); Benign (1); Likely benign (2). Last evaluated 2026-09-24.

Conditions:
Cardiovascular phenotype. Identifiers: MedGen CN230736.
Hereditary cancer-predisposing syndrome. Also called: Tumor predisposition; Hereditary neoplastic syndrome; Neoplastic Syndromes, Hereditary; Hereditary Cancer Syndrome. Identifiers: Orphanet 140162, MedGen C0027672, MeSH D009386, MONDO:0015356.
Neurofibromatosis, type 1 (NF1). Also called: NEUROFIBROMATOSIS, TYPE I, SOMATIC; Peripheral type neurofibromatosis; VON RECKLINGHAUSEN DISEASE; Neurofibromatosis, type I. Identifiers: Orphanet 636, MedGen C0027831, MONDO:0018975, OMIM 162200. Disease mechanism: loss of function.

Submissions (4):

Myriad Genetics, Inc.
Classification: Benign for Neurofibromatosis, type 1. Last evaluated: 2026-09-24. Review status: criteria provided, single submitter. Criteria: Myriad Autosomal Dominant, Autosomal Recessive and X-Linked Classification Criteria (2023). Collection method: clinical testing. Allele origin: unknown.
Comment: This variant is considered benign. This variant is a silent/synonymous amino acid change and it is not expected to impact splicing.

Labcorp Genetics (formerly Invitae), Labcorp
Classification: Likely benign for Neurofibromatosis, type 1. Last evaluated: 2022-11-08. Review status: criteria provided, single submitter. Criteria: Invitae Variant Classification Sherloc (09022015). Collection method: clinical testing. Allele origin: germline.

Ambry Genetics
Classification: Likely benign for Cardiovascular phenotype; Hereditary cancer-predisposing syndrome. Last evaluated: 2021-11-05. Review status: criteria provided, single submitter. Criteria: Ambry Variant Classification Scheme 2023. Collection method: clinical testing. Allele origin: germline.

Quest Diagnostics Nichols Institute San Juan Capistrano
Classification: Uncertain significance. Last evaluated: 2021-08-09. Review status: criteria provided, single submitter. Criteria: Quest Diagnostics criteria. Collection method: clinical testing. Allele origin: unknown.